The following is an entry in ClinVar:

ClinVar aggregate classification (germline): Uncertain significance (1 of 4 stars; one submission).

gnomAD v4.1: 1 of 1,613,730 alleles (0.000062%); highest among the groups gnomAD compares: Non-Finnish European, 0.000085%; no homozygotes.

Submission:

Labcorp Genetics (formerly Invitae), Labcorp
Classification: Uncertain significance. Last evaluated: 2023-11-09. Review status: criteria provided, single submitter. Criteria: Invitae Variant Classification Sherloc (09022015). Collection method: clinical testing. Allele origin: germline.
Comment: This sequence change replaces proline, which is neutral and non-polar, with histidine, which is basic and polar, at codon 1072 of the COL2A1 protein (p.Pro1072His). This variant is not present in population databases (gnomAD no frequency). This variant has not been reported in the literature in individuals affected with COL2A1-related conditions. Advanced modeling of protein sequence and biophysical properties (such as structural, functional, and spatial information, amino acid conservation, physicochemical variation, residue mobility, and thermodynamic stability) performed at Invitae indicates that this missense variant is not expected to disrupt COL2A1 protein function with a negative predictive value of 95%. In summary, the available evidence is currently insufficient to determine the role of this variant in disease. Therefore, it has been classified as a Variant of Uncertain Significance.

NM_001844.5(COL2A1):c.3215C>A (p.Pro1072His)

Gene: COL2A1 (collagen type II alpha 1 chain; minus strand). Cytogenetic location: 12q13.11.
Variant type: single nucleotide variant.
Coding change: c.3215C>A on transcript NM_001844.5 (MANE Select); coding-DNA position 3215, C replaced by A.
Protein change: p.Pro1072His; replaces proline 1072 with histidine.
Molecular consequence: missense variant.
Genome position (GRCh38, 1-based): chr12:47,977,378, G>T on the plus strand (C>A on the coding strand, the complement: COL2A1 is on the minus strand). VCF-style: chr12-47977378-G-T. GRCh37 (hg19) VCF-style: chr12-48371161-G-T.
Other names: c.3008C>A, p.Pro1003His (NM_033150.3); short protein forms P1072H, P1003H.
Identifiers: ClinVar variation 2772809 (VCV002772809.3), dbSNP rs1489240592, ClinGen allele CA384540307.
Genomic context (GRCh38, chr12:47,977,378, plus strand): 5'-ACAGCTTCTCCTCTGTCTCCTTGCTTGCCAGTTGGACCAGCGGGGCCAGGGGAGCCAGGG[G>T]GCCCAGGGGCTCCAGGAGCTCCCACAGCACCAGTCTCACCACGATCACCCTGTCAGGAGA-3'
Protein context (NP_001835.3, residues 1062-1082): GAVGAPGAPG[Pro1072His]PGSPGPAGPT